The following is an entry in ClinVar:

NM_004990.4(MARS1):c.1091+4A>G

Gene: MARS1 (methionyl-tRNA synthetase 1; plus strand). Cytogenetic location: 12q13.3.
Variant type: single nucleotide variant.
Coding change: c.1091+4A>G on transcript NM_004990.4 (MANE Select); 4 bases into the intron after coding-DNA position 1091, A replaced by G.
Molecular consequence: intron variant.
Genome position (GRCh38, 1-based): chr12:57,498,627, A>G. VCF-style: chr12-57498627-A-G. GRCh37 (hg19) VCF-style: chr12-57892410-A-G.
Identifiers: ClinVar variation 1681718 (VCV001681718.6), dbSNP rs987991720, ClinGen allele CA237757369.
Genomic context (GRCh38, chr12:57,498,627, plus strand): 5'-CTGGTTTAACATTTCGTTTGATATTTTTGGTCGCACCACCACTCCACAGCAGACCAAGTA[A>G]GTTTCCTCTAATGAGGCAGAAATGGGGCTTGAAGGCTGAGACTGGGAACAGTGGGAGTAT-3'

ClinVar aggregate classification (germline): Uncertain significance (1 of 4 stars; one submission).

Conditions:
Severe early-onset pulmonary alveolar proteinosis due to MARS deficiency. Also called: PULMONARY ALVEOLAR PROTEINOSIS, REUNION ISLAND; Interstitial lung and liver disease. Identifiers: Orphanet 440427, MedGen C4225400, MONDO:0014206, OMIM 615486.
Charcot-Marie-Tooth disease axonal type 2U. Also called: CHARCOT-MARIE-TOOTH NEUROPATHY, TYPE 2U; CHARCOT-MARIE-TOOTH DISEASE, AXONAL, AUTOSOMAL DOMINANT, TYPE 2U. Identifiers: Orphanet 397735, MedGen C4084821, MONDO:0014566, OMIM 616280.

Allele frequency attached by ClinVar (database versions not stated): gnomAD 0.00001; TOPMed 0.00003.
gnomAD v4.1: 4 of 1,613,566 alleles (0.00025%); highest among the groups gnomAD compares: African/African-American, 0.0053%; no homozygotes.

Submission:

Labcorp Genetics (formerly Invitae), Labcorp
Classification: Uncertain significance for Charcot-Marie-Tooth disease axonal type 2U; Severe early-onset pulmonary alveolar proteinosis due to MARS deficiency. Last evaluated: 2024-05-21. Review status: criteria provided, single submitter. Criteria: Invitae Variant Classification Sherloc (09022015). Collection method: clinical testing. Allele origin: germline.
Comment: This sequence change falls in intron 9 of the MARS gene. It does not directly change the encoded amino acid sequence of the MARS protein. It affects a nucleotide within the consensus splice site. This variant is present in population databases (no rsID available, gnomAD 0.01%). This variant has not been reported in the literature in individuals affected with MARS-related conditions. ClinVar contains an entry for this variant (Variation ID: 1681718). Variants that disrupt the consensus splice site are a relatively common cause of aberrant splicing (PMID: 17576681, 9536098). Algorithms developed to predict the effect of sequence changes on RNA splicing suggest that this variant is not likely to affect RNA splicing. In summary, the available evidence is currently insufficient to determine the role of this variant in disease. Therefore, it has been classified as a Variant of Uncertain Significance.

Literature cited by the submitters: PubMed 17576681; PubMed 9536098.